The following is an entry in ClinVar:

ClinVar aggregate classification (germline): Benign. Review status: criteria provided, multiple submitters, no conflicts (2 of 4 stars). 2 submissions from 2 submitters: Benign (2). Last evaluated 2018-06-14.

Allele frequency attached by ClinVar (database versions not stated): gnomAD exomes 0.00263; 1000 Genomes Project 0.02815; gnomAD 0.02953 and 0.03174; 1000 Genomes Project 30x 0.03045; TOPMed 0.03205.
gnomAD v4.1: 6,903 of 1,035,472 alleles (0.67%); highest among the groups gnomAD compares: African/African-American, 10%; 347 homozygotes.

Submissions (2):

GeneDx
Classification: Benign. Last evaluated: 2018-06-14. Review status: criteria provided, single submitter. Criteria: GeneDx Variant Classification (06012015). Collection method: clinical testing. Allele origin: germline. Affected: yes.
Comment: This variant is considered likely benign or benign based on one or more of the following criteria: it is a conservative change, it occurs at a poorly conserved position in the protein, it is predicted to be benign by multiple in silico algorithms, and/or has population frequency not consistent with disease.

Breakthrough Genomics
Classification: Benign. Review status: criteria provided, single submitter. Criteria: ACMG Guidelines, 2015. Collection method: not provided. Allele origin: germline. Inheritance: Autosomal recessive inheritance. Affected: yes.

NM_004130.4(GYG1):c.7+96C>G

Genes: GYG1 (glycogenin 1; plus strand), LOC129937737 (ATAC-STARR-seq lymphoblastoid silent region 14802; plus strand). Cytogenetic location: 3q24.
Variant type: single nucleotide variant.
Coding change: c.7+96C>G on transcript NM_004130.4 (MANE Select); 96 bases into the intron after coding-DNA position 7, C replaced by G.
Molecular consequence: intron variant.
Genome position (GRCh38, 1-based): chr3:148,991,743, C>G. VCF-style: chr3-148991743-C-G. GRCh37 (hg19) VCF-style: chr3-148709530-C-G.
Other names: c.7+96C>G (NM_001184720.2, NM_001184721.2).
Identifiers: ClinVar variation 675513 (VCV000675513.2), dbSNP rs111848296, ClinGen allele CA85544169.